The following is an entry in ClinVar:

NM_000026.4(ADSL):c.153+116A>G

Gene: ADSL (adenylosuccinate lyase; plus strand). Cytogenetic location: 22q13.1.
Variant type: single nucleotide variant.
Coding change: c.153+116A>G on transcript NM_000026.4 (MANE Select); 116 bases into the intron after coding-DNA position 153, A replaced by G.
Molecular consequence: intron variant.
Genome position (GRCh38, 1-based): chr22:40,346,827, A>G. VCF-style: chr22-40346827-A-G. GRCh37 (hg19) VCF-style: chr22-40742831-A-G.
Other names: c.153+116A>G (NM_001363840.3, NM_001123378.3); c.-40+171A>G (NM_001317923.2).
Identifiers: ClinVar variation 674718 (VCV000674718.3), dbSNP rs3788577, ClinGen allele CA14960041.

ClinVar aggregate classification (germline): Benign. Review status: criteria provided, multiple submitters, no conflicts (2 of 4 stars). 2 submissions from 2 submitters: Benign (2). Last evaluated 2024-07-15.

Allele frequency attached by ClinVar (database versions not stated): gnomAD exomes 0.19200; 1000 Genomes Project 0.20966; gnomAD 0.20995 and 0.21169; 1000 Genomes Project 30x 0.21487; TOPMed 0.22442.

Submissions (2):

Unidad de Genómica Garrahan, Hospital de Pediatría Garrahan
Classification: Benign. Last evaluated: 2024-07-15. Review status: criteria provided, single submitter. Criteria: ACMG Guidelines, 2015. Collection method: clinical testing. Allele origin: germline. Affected: no. Observed: 29 variant alleles.
Comment: This variant is classified as Benign based on local population frequency. This variant was detected in 31% of patients studied in a panel designed for Epileptic and Developmental Encephalopathy and Progressive Myoclonus Epilepsy. Number of patients: 29. Only high quality variants are reported.

GeneDx
Classification: Benign. Last evaluated: 2018-06-14. Review status: criteria provided, single submitter. Criteria: GeneDx Variant Classification (06012015). Collection method: clinical testing. Allele origin: germline. Affected: yes.
Comment: This variant is considered likely benign or benign based on one or more of the following criteria: it is a conservative change, it occurs at a poorly conserved position in the protein, it is predicted to be benign by multiple in silico algorithms, and/or has population frequency not consistent with disease.